The following is an entry in ClinVar:

NM_016107.5(ZFR):c.1713+6T>C

Gene: ZFR (zinc finger RNA binding protein; minus strand). Cytogenetic location: 5p13.3.
Variant type: single nucleotide variant.
Coding change: c.1713+6T>C on transcript NM_016107.5 (MANE Select); 6 bases into the intron after coding-DNA position 1713, T replaced by C.
Molecular consequence: intron variant.
Genome position (GRCh38, 1-based): chr5:32,400,001, A>G on the plus strand (T>C on the coding strand, the complement: ZFR is on the minus strand). VCF-style: chr5-32400001-A-G. GRCh37 (hg19) VCF-style: chr5-32400106-A-G.
Identifiers: ClinVar variation 544265 (VCV000544265.22), dbSNP rs143766228, ClinGen allele CA3221769.

ClinVar aggregate classification (germline): Benign/Likely benign. Review status: criteria provided, multiple submitters, no conflicts (2 of 4 stars). 3 submissions from 3 submitters: Benign (2); Likely benign (1). Last evaluated 2026-07-01.

Conditions:
Pure or complex autosomal recessive spastic paraplegia. Identifiers: Orphanet 320346, MedGen C5679887, MONDO:0017915.

Allele frequency attached by ClinVar (database versions not stated): 1000 Genomes Project 0.00120; 1000 Genomes Project 30x 0.00156; TOPMed 0.00254; ESP Exome Variant Server 0.00300; ExAC 0.00315; gnomAD 0.00330 and 0.00336; gnomAD exomes 0.00334 and 0.00359.
gnomAD v4.1: 5,695 of 1,594,980 alleles (0.36%); highest among the groups gnomAD compares: Middle Eastern, 0.38%; 18 homozygotes.

Submissions (10):

CeGaT Center for Human Genetics Tuebingen
Classification: Likely benign. Last evaluated: 2026-07-01. Review status: criteria provided, single submitter. Criteria: CeGaT Center For Human Genetics Tuebingen Variant Classification Criteria Version 2. Collection method: clinical testing. Allele origin: germline. Affected: yes. Observed: 2 variant alleles.
Comment: ZFR: BP4, BS2

Labcorp Genetics (formerly Invitae), Labcorp
Classification: Benign for Pure or complex autosomal recessive spastic paraplegia. Last evaluated: 2026-01-13. Review status: criteria provided, single submitter. Criteria: Invitae Variant Classification Sherloc (09022015). Collection method: clinical testing. Allele origin: germline.

Breakthrough Genomics
Classification: Benign. Review status: criteria provided, single submitter. Criteria: ACMG Guidelines, 2015. Collection method: not provided. Allele origin: germline. Inheritance: Unknown mechanism. Affected: yes.

Dr. Peter K. Rogan Lab, Western University
No classification provided (evidence only). Condition: Lung cancer. Review status: no classification provided. Collection method: in vitro. Allele origin: not applicable. Functional consequence: retained intron. Not counted in ClinVar's aggregate classification.

Dr. Peter K. Rogan Lab, Western University
No classification provided (evidence only). Condition: Lung cancer. Review status: no classification provided. Collection method: in vitro. Allele origin: not applicable. Functional consequence: retained intron. Not counted in ClinVar's aggregate classification.

Dr. Peter K. Rogan Lab, Western University
No classification provided (evidence only). Condition: Familial cancer of breast. Review status: no classification provided. Collection method: in vitro. Allele origin: not applicable. Functional consequence: retained intron. Not counted in ClinVar's aggregate classification.

Dr. Peter K. Rogan Lab, Western University
No classification provided (evidence only). Condition: Sarcoma. Review status: no classification provided. Collection method: in vitro. Allele origin: not applicable. Functional consequence: retained intron. Not counted in ClinVar's aggregate classification.

Dr. Peter K. Rogan Lab, Western University
No classification provided (evidence only). Condition: Ovarian serous cystadenocarcinoma. Review status: no classification provided. Collection method: in vitro. Allele origin: not applicable. Functional consequence: retained intron. Not counted in ClinVar's aggregate classification.

Dr. Peter K. Rogan Lab, Western University
No classification provided (evidence only). Condition: Malignant tumor of esophagus. Review status: no classification provided. Collection method: in vitro. Allele origin: not applicable. Functional consequence: retained intron. Not counted in ClinVar's aggregate classification.

Dr. Peter K. Rogan Lab, Western University
No classification provided (evidence only). Condition: Nonpapillary renal cell carcinoma. Review status: no classification provided. Collection method: in vitro. Allele origin: not applicable. Functional consequence: retained intron. Not counted in ClinVar's aggregate classification.